The following is an entry in ClinVar:

ClinVar aggregate classification (germline): Uncertain significance (1 of 4 stars; one submission).

Conditions:
Emery-Dreifuss muscular dystrophy 5, autosomal dominant (EDMD5). Also called: EMERY-DREIFUSS MUSCULAR DYSTROPHY 5. Identifiers: Orphanet 261, MedGen C2751805, MONDO:0013072, OMIM 612999.

gnomAD v4.1: 9 of 1,613,732 alleles (0.00056%); highest among the groups gnomAD compares: Non-Finnish European, 0.00076%; no homozygotes.

Submission:

Labcorp Genetics (formerly Invitae), Labcorp
Classification: Uncertain significance for Emery-Dreifuss muscular dystrophy 5, autosomal dominant. Last evaluated: 2024-07-02. Review status: criteria provided, single submitter. Criteria: Invitae Variant Classification Sherloc (09022015). Collection method: clinical testing. Allele origin: germline.
Comment: This sequence change replaces cysteine, which is neutral and slightly polar, with tyrosine, which is neutral and polar, at codon 3664 of the SYNE2 protein (p.Cys3664Tyr). This variant is present in population databases (no rsID available, gnomAD 0.003%). This variant has not been reported in the literature in individuals affected with SYNE2-related conditions. An algorithm developed to predict the effect of missense changes on protein structure and function (PolyPhen-2) suggests that this variant is likely to be disruptive. In summary, the available evidence is currently insufficient to determine the role of this variant in disease. Therefore, it has been classified as a Variant of Uncertain Significance.

NM_182914.3(SYNE2):c.10991G>A (p.Cys3664Tyr)

Gene: SYNE2 (spectrin repeat containing nuclear envelope protein 2; plus strand). Cytogenetic location: 14q23.2.
Variant type: single nucleotide variant.
Coding change: c.10991G>A on transcript NM_182914.3 (MANE Select); coding-DNA position 10991, G replaced by A.
Protein change: p.Cys3664Tyr; replaces cysteine 3664 with tyrosine.
Molecular consequence: missense variant.
Genome position (GRCh38, 1-based): chr14:64,076,069, G>A. VCF-style: chr14-64076069-G-A. GRCh37 (hg19) VCF-style: chr14-64542787-G-A.
Other names: c.10991G>A, p.Cys3664Tyr (NM_015180.6); short protein forms C3664Y.
Identifiers: ClinVar variation 3702750 (VCV003702750.2).